The following is an entry in ClinVar:

NM_001374736.1(DST):c.20606C>T (p.Thr6869Ile)

Gene: DST (dystonin; minus strand). Cytogenetic location: 6p12.1.
Variant type: single nucleotide variant.
Coding change: c.20606C>T on transcript NM_001374736.1 (MANE Select); coding-DNA position 20606, C replaced by T.
Protein change: p.Thr6869Ile; replaces threonine 6869 with isoleucine.
Molecular consequence: missense variant.
Genome position (GRCh38, 1-based): chr6:56,492,378, G>A on the plus strand (C>T on the coding strand, the complement: DST is on the minus strand). VCF-style: chr6-56492378-G-A. GRCh37 (hg19) VCF-style: chr6-56357176-G-A.
Other names: c.14249C>T, p.Thr4750Ile (NM_001144769.5); c.13835C>T, p.Thr4612Ile (NM_001144770.2); c.20606C>T, p.Thr6869Ile (NM_001374722.1); c.19646C>T, p.Thr6549Ile (NM_001374729.1); c.13388C>T, p.Thr4463Ile (NM_001374730.1); c.20633C>T, p.Thr6878Ile (NM_001374734.1); c.13715C>T, p.Thr4572Ile (NM_001386100.1, NM_183380.4); c.12737C>T, p.Thr4246Ile (NM_015548.5); short protein forms T4246I, T4612I, T4750I, T6869I, T4463I, T4572I, T6549I, T6878I.
Identifiers: ClinVar variation 1444994 (VCV001444994.4), dbSNP rs771974931, ClinGen allele CA3866706.

ClinVar aggregate classification (germline): Uncertain significance (1 of 4 stars; one submission).

Conditions:
Epidermolysis bullosa simplex 3, localized or generalized intermediate, with BP230 deficiency (EBS3). Also called: Epidermolysis bullosa simplex due to BP230 deficiency; Epidermolysis bullosa simplex, autosomal recessive 2. Identifiers: Orphanet 412181, MedGen C3809470, MONDO:0014180, OMIM 615425.
Hereditary sensory and autonomic neuropathy type 6. Also called: HSAN VI; Neuropathy, hereditary sensory and autonomic, type VI. Identifiers: Orphanet 314381, MedGen C3539003, MONDO:0013839, OMIM 614653.

Allele frequency attached by ClinVar (database versions not stated): gnomAD 0.00001; gnomAD exomes 0.00001; TOPMed 0.00001; ExAC 0.00002.
gnomAD v4.1: 22 of 1,613,684 alleles (0.0014%); highest among the groups gnomAD compares: Middle Eastern, 0.016%; no homozygotes.

Submission:

Labcorp Genetics (formerly Invitae), Labcorp
Classification: Uncertain significance for Epidermolysis bullosa simplex 3, localized or generalized intermediate, with BP230 deficiency; Hereditary sensory and autonomic neuropathy type 6. Last evaluated: 2020-12-29. Review status: criteria provided, single submitter. Criteria: Invitae Variant Classification Sherloc (09022015). Collection method: clinical testing. Allele origin: germline.
Comment: Experimental studies and prediction algorithms are not available or were not evaluated, and the functional significance of this variant is currently unknown. In summary, the available evidence is currently insufficient to determine the role of this variant in disease. Therefore, it has been classified as a Variant of Uncertain Significance. This variant has not been reported in the literature in individuals with DST-related conditions. This variant is present in population databases (rs771974931, ExAC 0.009%). This sequence change replaces threonine with isoleucine at codon 4246 of the DST protein (p.Thr4246Ile). The DST gene has multiple clinically relevant transcripts. This variant occurs in alternate transcript NM_015548.4, and corresponds to NM_001723.5:c.*123139C>T in the primary transcript.